The following is an entry in ClinVar:

ClinVar aggregate classification (germline): Likely benign (1 of 4 stars; one submission).

Allele frequency attached by ClinVar (database versions not stated): gnomAD exomes below 0.00001.
gnomAD v4.1: 1 of 1,613,986 alleles (0.000062%); highest among the groups gnomAD compares: Non-Finnish European, 0.000085%; no homozygotes.

Submission:

CeGaT Center for Human Genetics Tuebingen
Classification: Likely benign. Last evaluated: 2022-12-01. Review status: criteria provided, single submitter. Criteria: CeGaT Center For Human Genetics Tuebingen Variant Classification Criteria Version 2. Collection method: clinical testing. Allele origin: germline. Affected: yes. Observed: 2 variant alleles.
Comment: TRMT10C: PM2:Supporting, BP4, BP7

NM_017819.4(TRMT10C):c.759T>G (p.Ala253=)

Gene: TRMT10C (tRNA methyltransferase 10C, mitochondrial RNase P subunit; plus strand). Cytogenetic location: 3q12.3.
Variant type: single nucleotide variant.
Coding change: c.759T>G on transcript NM_017819.4 (MANE Select); coding-DNA position 759, T replaced by G.
Protein change: p.Ala253=; no amino-acid change (alanine 253 retained).
Molecular consequence: synonymous variant.
Genome position (GRCh38, 1-based): chr3:101,565,540, T>G. VCF-style: chr3-101565540-T-G. GRCh37 (hg19) VCF-style: chr3-101284384-T-G.
Identifiers: ClinVar variation 2654012 (VCV002654012.24), dbSNP rs1934497275, ClinGen allele CA434871229.